The following is an entry in ClinVar:

ClinVar aggregate classification (germline): Likely benign (1 of 4 stars; one submission).

Allele frequency attached by ClinVar (database versions not stated): gnomAD 0.00002; gnomAD exomes 0.00002; TOPMed 0.00004.
gnomAD v4.1: 31 of 1,537,610 alleles (0.002%); highest among the groups gnomAD compares: Non-Finnish European, 0.0024%; no homozygotes.

Submission:

CeGaT Center for Human Genetics Tuebingen
Classification: Likely benign. Last evaluated: 2022-08-01. Review status: criteria provided, single submitter. Criteria: CeGaT Center For Human Genetics Tuebingen Variant Classification Criteria Version 2. Collection method: clinical testing. Allele origin: germline. Affected: yes. Observed: 1 variant allele.
Comment: FREM3: BP4, BP7

NM_001168235.2(FREM3):c.2847T>C (p.Ser949=)

Gene: FREM3 (FRAS1 related extracellular matrix 3; minus strand). Cytogenetic location: 4q31.21.
Variant type: single nucleotide variant.
Coding change: c.2847T>C on transcript NM_001168235.2 (MANE Select); coding-DNA position 2847, T replaced by C.
Protein change: p.Ser949=; no amino-acid change (serine 949 retained).
Molecular consequence: synonymous variant.
Genome position (GRCh38, 1-based): chr4:143,697,829, A>G on the plus strand (T>C on the coding strand, the complement: FREM3 is on the minus strand). VCF-style: chr4-143697829-A-G. GRCh37 (hg19) VCF-style: chr4-144618982-A-G.
Identifiers: ClinVar variation 2655104 (VCV002655104.24), dbSNP rs1049048822, ClinGen allele CA106879559.